The following is an entry in ClinVar:

ClinVar aggregate classification (germline): Likely benign. Review status: criteria provided, multiple submitters, no conflicts (2 of 4 stars). 3 submissions from 3 submitters: Likely benign (3). Last evaluated 2025-12-24.

Conditions:
Loeys-Dietz syndrome (LDS). Identifiers: Orphanet 60030, MedGen C2697932, MONDO:0018954.
Familial thoracic aortic aneurysm and aortic dissection (TAAD). Also called: Thoracic aortic aneurysms and dissections. Identifiers: Orphanet 91387, MedGen C4707243, MONDO:0019625.

gnomAD v4.1: 6 of 1,613,610 alleles (0.00037%); highest among the groups gnomAD compares: Non-Finnish European, 0.00051%; no homozygotes.

Submissions (3):

Labcorp Genetics (formerly Invitae), Labcorp
Classification: Likely benign for Familial thoracic aortic aneurysm and aortic dissection. Last evaluated: 2025-12-24. Review status: criteria provided, single submitter. Criteria: Invitae Variant Classification Sherloc (09022015). Collection method: clinical testing. Allele origin: germline.

All of Us Research Program, National Institutes of Health
Classification: Likely benign for Loeys-Dietz syndrome. Last evaluated: 2023-09-05. Review status: criteria provided, single submitter. Criteria: ACMG Guidelines, 2015. Collection method: clinical testing. Allele origin: germline. Inheritance: Autosomal dominant inheritance. Observed: 3 variant alleles, 3 heterozygotes.
Comment: This study involves interpretation of variants in research participants for the purpose of population health screening. Participant phenotype was not available at the time of variant classification. Additional details can be found in publication PMID: 35346344, PMCID: PMC8962531

Color Diagnostics, LLC DBA Color Health
Classification: Likely benign for Familial thoracic aortic aneurysm and aortic dissection. Last evaluated: 2019-08-26. Review status: criteria provided, single submitter. Criteria: ACMG Guidelines, 2015. Collection method: clinical testing. Allele origin: germline.

NM_004612.4(TGFBR1):c.582A>T (p.Pro194=)

Gene: TGFBR1 (transforming growth factor beta receptor 1; plus strand). Cytogenetic location: 9q22.33.
Variant type: single nucleotide variant.
Coding change: c.582A>T on transcript NM_004612.4 (MANE Select); coding-DNA position 582, A replaced by T.
Protein change: p.Pro194=; no amino-acid change (proline 194 retained).
Molecular consequence: synonymous variant.
Genome position (GRCh38, 1-based): chr9:99,137,866, A>T. VCF-style: chr9-99137866-A-T. GRCh37 (hg19) VCF-style: chr9-101900148-A-T.
Other names: c.351A>T, p.Pro117= (NM_001130916.3); c.594A>T, p.Pro198= (NM_001306210.2).
Identifiers: ClinVar variation 477557 (VCV000477557.12), dbSNP rs200679996, ClinGen allele CA196888900.